The following is an entry in ClinVar:

NM_001183.6(ATP6AP1):c.1187T>C (p.Met396Thr)

Gene: ATP6AP1 (ATPase H+ transporting accessory protein 1; plus strand). Cytogenetic location: Xq28.
Variant type: single nucleotide variant.
Coding change: c.1187T>C on transcript NM_001183.6 (MANE Select); coding-DNA position 1187, T replaced by C.
Protein change: p.Met396Thr; replaces methionine 396 with threonine.
Molecular consequence: missense variant.
Genome position (GRCh38, 1-based): chrX:154,435,489, T>C. VCF-style: chrX-154435489-T-C. GRCh37 (hg19) VCF-style: chrX-153663835-T-C.
Other names: short protein forms M396T.
Identifiers: ClinVar variation 1493531 (VCV001493531.6), dbSNP rs973971109, ClinGen allele CA337295636.

ClinVar aggregate classification (germline): Uncertain significance (1 of 4 stars; one submission).

Submission:

Labcorp Genetics (formerly Invitae), Labcorp
Classification: Uncertain significance. Last evaluated: 2021-11-06. Review status: criteria provided, single submitter. Criteria: Invitae Variant Classification Sherloc (09022015). Collection method: clinical testing. Allele origin: germline.
Comment: In summary, the available evidence is currently insufficient to determine the role of this variant in disease. Therefore, it has been classified as a Variant of Uncertain Significance. Algorithms developed to predict the effect of missense changes on protein structure and function output the following: SIFT: "Tolerated"; PolyPhen-2: "Benign"; Align-GVGD: "Class C0". The threonine amino acid residue is found in multiple mammalian species, which suggests that this missense change does not adversely affect protein function. This variant has not been reported in the literature in individuals affected with ATP6AP1-related conditions. This variant is not present in population databases (gnomAD no frequency). This sequence change replaces methionine, which is neutral and non-polar, with threonine, which is neutral and polar, at codon 396 of the ATP6AP1 protein (p.Met396Thr).